The following is an entry in ClinVar:

NM_000264.5(PTCH1):c.1328C>G (p.Ala443Gly)

Gene: PTCH1 (patched 1; minus strand). Cytogenetic location: 9q22.32.
Variant type: single nucleotide variant.
Coding change: c.1328C>G on transcript NM_000264.5 (MANE Select); coding-DNA position 1328, C replaced by G.
Protein change: p.Ala443Gly; replaces alanine 443 with glycine.
Molecular consequence: missense variant. On other transcripts: non-coding transcript variant (1).
Genome position (GRCh38, 1-based): chr9:95,478,074, G>C on the plus strand (C>G on the coding strand, the complement: PTCH1 is on the minus strand). VCF-style: chr9-95478074-G-C. GRCh37 (hg19) VCF-style: chr9-98240356-G-C.
Other names: c.1130C>G, p.Ala377Gly (NM_001083602.3); c.1325C>G, p.Ala442Gly (NM_001083603.3); c.875C>G, p.Ala292Gly (NM_001083604.3, NM_001083605.3, NM_001083606.3 and 1 more transcripts); c.1328C>G, p.Ala443Gly (NM_001354918.2); c.1328C>G (NM_000264.3); short protein forms A292G, A377G, A442G, A443G.
Identifiers: ClinVar variation 660801 (VCV000660801.14), dbSNP rs878853845, ClinGen allele CA196593918.

ClinVar aggregate classification (germline): Uncertain significance. Review status: criteria provided, multiple submitters, no conflicts (2 of 4 stars). 5 submissions from 5 submitters: Uncertain significance (5). Last evaluated 2026-03-27.

Conditions:
Hereditary cancer-predisposing syndrome. Also called: Hereditary Cancer Syndrome; Hereditary neoplastic syndrome; Tumor predisposition; Neoplastic Syndromes, Hereditary. Identifiers: Orphanet 140162, MedGen C0027672, MeSH D009386, MONDO:0015356.
Gorlin syndrome. Also called: Nevoid Basal Cell Carcinoma Syndrome; Basal cell nevus syndrome. Identifiers: Orphanet 377, MedGen C0004779, MONDO:0007187.

Allele frequency attached by ClinVar (database versions not stated): gnomAD exomes below 0.00001.
gnomAD v4.1: 1 of 1,614,176 alleles (0.000062%); highest among the groups gnomAD compares: Admixed American, 0.0017%; no homozygotes.

Submissions (5):

Dasa
Classification: Uncertain significance. Last evaluated: 2026-03-27. Review status: criteria provided, single submitter. Criteria: DASA Assertion Criteria. Collection method: clinical testing. Allele origin: germline.
Comment: NM_000264.5(PTCH1):c.1328C>G (p.Ala443Gly) is a missense variant that results in the substitution of alanine with glycine. This variant is rare in population databases. Computational prediction algorithms are consistent with a deleterious effect. The currently available literature and clinical evidence are not sufficient to establish a definitive association between this variant and the reported condition. Therefore, this variant is classified as a variant of uncertain significance.

Labcorp Genetics (formerly Invitae), Labcorp
Classification: Uncertain significance for Gorlin syndrome. Last evaluated: 2025-10-08. Review status: criteria provided, single submitter. Criteria: Invitae Variant Classification Sherloc (09022015). Collection method: clinical testing. Allele origin: germline.
Comment: This sequence change replaces alanine, which is neutral and non-polar, with glycine, which is neutral and non-polar, at codon 443 of the PTCH1 protein (p.Ala443Gly). This variant is not present in population databases (gnomAD no frequency). This missense change has been observed in individual(s) with holoprosencephaly (PMID: 17001668). This variant is also known as 1316A>G. ClinVar contains an entry for this variant (Variation ID: 660801). Invitae Evidence Modeling of protein sequence and biophysical properties (such as structural, functional, and spatial information, amino acid conservation, physicochemical variation, residue mobility, and thermodynamic stability) has been performed for this missense variant. However, the output from this modeling did not meet the statistical confidence thresholds required to predict the impact of this variant on PTCH1 protein function. In summary, the available evidence is currently insufficient to determine the role of this variant in disease. Therefore, it has been classified as a Variant of Uncertain Significance.

Ambry Genetics
Classification: Uncertain significance for Hereditary cancer-predisposing syndrome. Last evaluated: 2025-06-11. Review status: criteria provided, single submitter. Criteria: Ambry Variant Classification Scheme 2023. Collection method: clinical testing. Allele origin: germline.
Comment: The p.A443G variant (also known as c.1328C>G), located in coding exon 9 of the PTCH1 gene, results from a C to G substitution at nucleotide position 1328. The alanine at codon 443 is replaced by glycine, an amino acid with similar properties. This amino acid position is highly conserved in available vertebrate species. In addition, this alteration is predicted to be deleterious by in silico analysis. Based on the available evidence, the clinical significance of this variant remains unclear.

GeneDx
Classification: Uncertain significance. Last evaluated: 2024-04-16. Review status: criteria provided, single submitter. Criteria: GeneDx Variant Classification Process June 2021. Collection method: clinical testing. Allele origin: germline. Affected: yes.
Comment: Not observed at significant frequency in large population cohorts (gnomAD); In silico analysis supports that this missense variant has a deleterious effect on protein structure/function; Observed in an individual with holoprosencephaly and in another with cleft lip and/or palate (PMID: 17001668, 34291140); This variant is associated with the following publications: (PMID: 17001668, Li2023[article], 11369205, 34291140)

Mendelics
Classification: Uncertain significance for Basal cell nevus syndrome 1. Last evaluated: 2019-05-28. Review status: criteria provided, single submitter. Criteria: Mendelics Assertion Criteria 2017. Collection method: clinical testing. Allele origin: unknown.

Literature cited by the submitters: PubMed 17001668 (cited by Labcorp Genetics (formerly Invitae), Labcorp).